The following is an entry in ClinVar:

NM_007113.4(TCHH):c.843G>A (p.Leu281=)

Gene: TCHH (trichohyalin; minus strand). Cytogenetic location: 1q21.3.
Variant type: single nucleotide variant.
Coding change: c.843G>A on transcript NM_007113.4 (MANE Select); coding-DNA position 843, G replaced by A.
Protein change: p.Leu281=; no amino-acid change (leucine 281 retained).
Molecular consequence: synonymous variant.
Genome position (GRCh38, 1-based): chr1:152,112,374, C>T on the plus strand (G>A on the coding strand, the complement: TCHH is on the minus strand). VCF-style: chr1-152112374-C-T. GRCh37 (hg19) VCF-style: chr1-152084850-C-T.
Identifiers: ClinVar variation 3772255 (VCV003772255.13).

ClinVar aggregate classification (germline): Likely benign (1 of 4 stars; one submission).

Submission:

CeGaT Center for Human Genetics Tuebingen
Classification: Likely benign. Last evaluated: 2025-01-01. Review status: criteria provided, single submitter. Criteria: CeGaT Center For Human Genetics Tuebingen Variant Classification Criteria Version 2. Collection method: clinical testing. Allele origin: germline. Affected: yes. Observed: 1 variant allele.
Comment: TCHH: PM2:Supporting, BP4, BP7